The following is an entry in ClinVar:

ClinVar aggregate classification (germline): Benign/Likely benign. Review status: criteria provided, multiple submitters, no conflicts (2 of 4 stars). 5 submissions from 5 submitters: Benign (1); Likely benign (4). Last evaluated 2026-03-01.

Allele frequency attached by ClinVar (database versions not stated): gnomAD exomes 0.00016 and 0.00039; ExAC 0.00058; ESP Exome Variant Server 0.00101; gnomAD 0.00162 and 0.00166; TOPMed 0.00195; 1000 Genomes Project 0.00200; 1000 Genomes Project 30x 0.00219.
gnomAD v4.1: 515 of 1,605,226 alleles (0.032%); highest among the groups gnomAD compares: African/African-American, 0.52%; 4 homozygotes.

Submissions (5):

CeGaT Center for Human Genetics Tuebingen
Classification: Likely benign. Last evaluated: 2026-03-01. Review status: criteria provided, single submitter. Criteria: CeGaT Center For Human Genetics Tuebingen Variant Classification Criteria Version 2. Collection method: clinical testing. Allele origin: germline. Affected: yes. Observed: 1 variant allele.
Comment: MYO15A: BP4, BP7

Labcorp Genetics (formerly Invitae), Labcorp
Classification: Benign. Last evaluated: 2026-01-28. Review status: criteria provided, single submitter. Criteria: Invitae Variant Classification Sherloc (09022015). Collection method: clinical testing. Allele origin: germline.

Blueprint Genetics
Classification: Likely benign. Last evaluated: 2024-06-19. Review status: criteria provided, single submitter. Criteria: ACMG Guidelines, 2015. Collection method: clinical testing. Allele origin: germline.

GeneDx
Classification: Likely benign. Last evaluated: 2021-09-16. Review status: criteria provided, single submitter. Criteria: GeneDx Variant Classification Process June 2021. Collection method: clinical testing. Allele origin: germline. Affected: yes.

Eurofins Ntd Llc (ga)
Classification: Likely benign. Last evaluated: 2017-03-30. Review status: criteria provided, single submitter. Criteria: EGL Classification Definitions 2015. Collection method: clinical testing. Allele origin: germline. Observed: 1 variant allele, 1 heterozygote.

NM_016239.4(MYO15A):c.8841G>A (p.Leu2947=)

Gene: MYO15A (myosin XVA; plus strand). Cytogenetic location: 17p11.2.
Variant type: single nucleotide variant.
Coding change: c.8841G>A on transcript NM_016239.4 (MANE Select); coding-DNA position 8841, G replaced by A.
Protein change: p.Leu2947=; no amino-acid change (leucine 2947 retained).
Molecular consequence: synonymous variant.
Genome position (GRCh38, 1-based): chr17:18,157,774, G>A. VCF-style: chr17-18157774-G-A. GRCh37 (hg19) VCF-style: chr17-18061088-G-A.
Identifiers: ClinVar variation 500847 (VCV000500847.21), dbSNP rs201809145, ClinGen allele CA8425288.